The following is an entry in ClinVar:

ClinVar aggregate classification (germline): Uncertain significance. Review status: criteria provided, multiple submitters, no conflicts (2 of 4 stars). 4 submissions from 4 submitters: Uncertain significance (4). Last evaluated 2025-08-24.

Conditions:
Gorlin syndrome. Also called: Basal cell nevus syndrome; Nevoid Basal Cell Carcinoma Syndrome. Identifiers: Orphanet 377, MedGen C0004779, MONDO:0007187.
Medulloblastoma (MDB). Also called: Medulloblastoma, somatic; MEDULLOBLASTOMA PREDISPOSITION SYNDROME. Identifiers: Orphanet 616, MedGen C0025149, MeSH D008527, MONDO:0007959, OMIM 155255, HP:0002885.
Basal cell nevus syndrome 2 (BCNS2). Also called: NEVOID BASAL CELL CARCINOMA SYNDROME 2. Identifiers: MedGen C5830451, MONDO:0958189, OMIM 620343.
Familial meningioma. Also called: Meningioma, familial, susceptibility to. Identifiers: Orphanet 263662, MedGen C3551915, MONDO:0011789, OMIM 607174.
Joubert syndrome 32 (JBTS32). Identifiers: MedGen C4540342, MONDO:0033309, OMIM 617757.
Hereditary cancer-predisposing syndrome. Also called: Neoplastic Syndromes, Hereditary; Hereditary Cancer Syndrome; Tumor predisposition; Hereditary neoplastic syndrome. Identifiers: Orphanet 140162, MedGen C0027672, MeSH D009386, MONDO:0015356.

Allele frequency attached by ClinVar (database versions not stated): gnomAD exomes 0.00001.

Submissions (4):

Labcorp Genetics (formerly Invitae), Labcorp
Classification: Uncertain significance for Gorlin syndrome; Medulloblastoma. Last evaluated: 2025-08-24. Review status: criteria provided, single submitter. Criteria: Invitae Variant Classification Sherloc (09022015). Collection method: clinical testing. Allele origin: germline.
Comment: This sequence change replaces glycine, which is neutral and non-polar, with aspartic acid, which is acidic and polar, at codon 11 of the SUFU protein (p.Gly11Asp). This variant is present in population databases (no rsID available, gnomAD 0.009%). This variant has not been reported in the literature in individuals affected with SUFU-related conditions. ClinVar contains an entry for this variant (Variation ID: 582859). An algorithm developed to predict the effect of missense changes on protein structure and function (PolyPhen-2) suggests that this variant is likely to be disruptive. In summary, the available evidence is currently insufficient to determine the role of this variant in disease. Therefore, it has been classified as a Variant of Uncertain Significance.

Fulgent Genetics
Classification: Uncertain significance for Medulloblastoma; Familial meningioma; Joubert syndrome 32; Basal cell nevus syndrome 2. Last evaluated: 2024-06-05. Review status: criteria provided, single submitter. Criteria: ACMG Guidelines, 2015. Collection method: clinical testing. Allele origin: germline.

Ambry Genetics
Classification: Uncertain significance for Hereditary cancer-predisposing syndrome. Last evaluated: 2024-06-03. Review status: criteria provided, single submitter. Criteria: Ambry Variant Classification Scheme 2023. Collection method: clinical testing. Allele origin: germline.
Comment: The p.G11D variant (also known as c.32G>A), located in coding exon 1 of the SUFU gene, results from a G to A substitution at nucleotide position 32. The glycine at codon 11 is replaced by aspartic acid, an amino acid with similar properties. This amino acid position is conserved. In addition, the in silico prediction for this alteration is inconclusive. Since supporting evidence is limited at this time, the clinical significance of this alteration remains unclear.

GeneDx
Classification: Uncertain significance. Last evaluated: 2023-11-29. Review status: criteria provided, single submitter. Criteria: GeneDx Variant Classification Process June 2021. Collection method: clinical testing. Allele origin: germline. Affected: yes.
Comment: Not observed at significant frequency in large population cohorts (gnomAD); In silico analysis supports that this missense variant does not alter protein structure/function; Has not been previously published as pathogenic or benign to our knowledge

NM_016169.4(SUFU):c.32G>A (p.Gly11Asp)

Genes: SUFU (SUFU negative regulator of hedgehog signaling; plus strand), LOC130004614 (ATAC-STARR-seq lymphoblastoid silent region 2764; plus strand). Cytogenetic location: 10q24.32.
Variant type: single nucleotide variant.
Coding change: c.32G>A on transcript NM_016169.4 (MANE Select); coding-DNA position 32, G replaced by A.
Protein change: p.Gly11Asp; replaces glycine 11 with aspartic acid.
Molecular consequence: missense variant.
Genome position (GRCh38, 1-based): chr10:102,504,184, G>A. VCF-style: chr10-102504184-G-A. GRCh37 (hg19) VCF-style: chr10-104263941-G-A.
Other names: c.32G>A, p.Gly11Asp (NM_001178133.2); short protein forms G11D.
Identifiers: ClinVar variation 582859 (VCV000582859.21), dbSNP rs1227379293, ClinGen allele CA377886163.